The following is an entry in ClinVar:

NM_004291.4(CARTPT):c.344G>T (p.Cys115Phe)

Gene: CARTPT (CART prepropeptide; plus strand). Cytogenetic location: 5q13.2.
Variant type: single nucleotide variant.
Coding change: c.344G>T on transcript NM_004291.4 (MANE Select); coding-DNA position 344, G replaced by T.
Protein change: p.Cys115Phe; replaces cysteine 115 with phenylalanine.
Molecular consequence: missense variant.
Genome position (GRCh38, 1-based): chr5:71,720,608, G>T. VCF-style: chr5-71720608-G-T. GRCh37 (hg19) VCF-style: chr5-71016435-G-T.
Other names: short protein forms C115F.
Identifiers: ClinVar variation 4991058 (VCV004991058.1).

ClinVar aggregate classification (germline): Uncertain significance (1 of 4 stars; one submission).

Conditions:
CARTPT-related condition.

Submission:

PreventionGenetics, part of Exact Sciences
Classification: Uncertain significance for CARTPT-related condition. Last evaluated: 2026-02-09. Review status: criteria provided, single submitter. Criteria: ACMG Guidelines, 2015. Collection method: clinical testing. Allele origin: germline.
Comment: The CARTPT c.344G>T variant is predicted to result in the amino acid substitution p.Cys115Phe. To our knowledge, this variant has not been reported in the literature or in a large population database (gnomAD), indicating this variant is rare. At this time, the clinical significance of this variant is uncertain due to the absence of conclusive functional and genetic evidence.